The following is an entry in ClinVar:

ClinVar aggregate classification (germline): Uncertain significance (1 of 4 stars; one submission).

Submission:

Labcorp Genetics (formerly Invitae), Labcorp
Classification: Uncertain significance. Last evaluated: 2025-09-02. Review status: criteria provided, single submitter. Criteria: Invitae Variant Classification Sherloc (09022015). Collection method: clinical testing. Allele origin: germline.
Comment: This sequence change replaces glutamic acid, which is acidic and polar, with glycine, which is neutral and non-polar, at codon 50 of the DTHD1 protein (p.Glu50Gly). This variant is not present in population databases (gnomAD no frequency). This variant has not been reported in the literature in individuals affected with DTHD1-related conditions. ClinVar contains an entry for this variant (Variation ID: 1466970). An algorithm developed to predict the effect of missense changes on protein structure and function (PolyPhen-2) suggests that this variant is likely to be disruptive. In summary, the available evidence is currently insufficient to determine the role of this variant in disease. Therefore, it has been classified as a Variant of Uncertain Significance.

NM_001170700.3(DTHD1):c.1019A>G (p.Glu340Gly)

Gene: DTHD1 (death domain containing 1; plus strand). Cytogenetic location: 4p14.
Variant type: single nucleotide variant.
Coding change: c.1019A>G on transcript NM_001170700.3 (MANE Select); coding-DNA position 1019, A replaced by G.
Protein change: p.Glu340Gly; replaces glutamic acid 340 with glycine.
Molecular consequence: missense variant. On other transcripts: non-coding transcript variant (2).
Genome position (GRCh38, 1-based): chr4:36,290,504, A>G. VCF-style: chr4-36290504-A-G. GRCh37 (hg19) VCF-style: chr4-36292126-A-G.
Other names: c.149A>G, p.Glu50Gly (NM_001136536.5, NM_001378435.1); short protein forms E340G, E50G.
Identifiers: ClinVar variation 1466970 (VCV001466970.6), dbSNP rs2109453317, ClinGen allele CA356678854.